The following is an entry in ClinVar:

ClinVar aggregate classification (germline): Benign/Likely benign. Review status: criteria provided, multiple submitters, no conflicts (2 of 4 stars). 3 submissions from 3 submitters: Benign (1); Likely benign (2). Last evaluated 2026-04-12.

Conditions:
Hereditary nonpolyposis colorectal neoplasms. Identifiers: MedGen C0009405, MeSH D003123.
Hereditary cancer-predisposing syndrome. Also called: Neoplastic Syndromes, Hereditary; Tumor predisposition; Hereditary Cancer Syndrome; Hereditary neoplastic syndrome. Identifiers: Orphanet 140162, MedGen C0027672, MeSH D009386, MONDO:0015356.
Lynch syndrome 4 (LYNCH4). Also called: Hereditary non-polyposis colorectal cancer, type 4; Colorectal cancer, hereditary nonpolyposis, type 4. Identifiers: Orphanet 144, MedGen C1838333, MONDO:0013699, OMIM 614337. Disease mechanism: loss of function.

Submissions (3):

Ambry Genetics
Classification: Likely benign for Hereditary cancer-predisposing syndrome. Last evaluated: 2026-04-12. Review status: criteria provided, single submitter. Criteria: Ambry Variant Classification Scheme 2023. Collection method: clinical testing. Allele origin: germline.

Myriad Genetics, Inc.
Classification: Benign for Lynch syndrome 4. Last evaluated: 2025-01-24. Review status: criteria provided, single submitter. Criteria: Myriad Autosomal Dominant, Autosomal Recessive and X-Linked Classification Criteria (2023). Collection method: clinical testing. Allele origin: unknown.
Comment: This variant is considered benign. This variant is a silent/synonymous amino acid change and it is not expected to impact splicing.

Labcorp Genetics (formerly Invitae), Labcorp
Classification: Likely benign for Hereditary nonpolyposis colorectal neoplasms. Last evaluated: 2022-06-25. Review status: criteria provided, single submitter. Criteria: Invitae Variant Classification Sherloc (09022015). Collection method: clinical testing. Allele origin: germline.

NM_000535.7(PMS2):c.429T>C (p.Ile143=)

Gene: PMS2 (PMS1 homolog 2, mismatch repair system component; minus strand). Cytogenetic location: 7p22.1.
Variant type: single nucleotide variant.
Coding change: c.429T>C on transcript NM_000535.7 (MANE Select); coding-DNA position 429, T replaced by C.
Protein change: p.Ile143=; no amino-acid change (isoleucine 143 retained).
Molecular consequence: synonymous variant. On other transcripts: 5 prime UTR variant (2), non-coding transcript variant (1), intron variant (1).
Genome position (GRCh38, 1-based): chr7:6,002,561, A>G on the plus strand (T>C on the coding strand, the complement: PMS2 is on the minus strand). VCF-style: chr7-6002561-A-G. GRCh37 (hg19) VCF-style: chr7-6042192-A-G.
Other names: c.24T>C, p.Ile8= (NM_001018040.1, NM_001322003.2, NM_001322004.2 and 25 more transcripts); c.429T>C, p.Ile143= (NM_001322006.2, NM_001322014.2, NM_001406869.1 and 8 more transcripts); c.111T>C, p.Ile37= (NM_001322007.2, NM_001322008.2, NM_001406876.1 and 4 more transcripts); c.-456T>C (NM_001322011.2, NM_001322012.2); c.120T>C, p.Ile40= (NM_001322015.2, NM_001406875.1, NM_001406877.1 and 6 more transcripts); c.615T>C, p.Ile205= (NM_001406866.1); c.453T>C, p.Ile151= (NM_001406868.1); c.250+1411T>C (NM_001406885.1).
Identifiers: ClinVar variation 2009910 (VCV002009910.6), dbSNP rs35650314, ClinGen allele CA153245225.
Genomic context (GRCh38, chr7:6,002,561, plus strand): 5'-AAATAACTGCTGCACGCTGACTGTGGTCCCTCTGGGGCGGGGGTAGGGGGTTTTCTGGAT[A>G]ATTTTCCCATTGTGATCAAACATCAGTCGAGTTCCAACCTTCGCCGATGCGTGGCAGGTA-3'
Protein context (NP_000526.2, residues 133-153): TRLMFDHNGK[Ile143=]IQKTPYPRPR